The following is an entry in ClinVar:

NM_001048174.2(MUTYH):c.1337G>T (p.Arg446Leu)

Gene: MUTYH (mutY DNA glycosylase; minus strand). Cytogenetic location: 1p34.1.
Variant type: single nucleotide variant.
Coding change: c.1337G>T on transcript NM_001048174.2 (MANE Select); coding-DNA position 1337, G replaced by T.
Protein change: p.Arg446Leu; replaces arginine 446 with leucine.
Molecular consequence: missense variant. On other transcripts: non-coding transcript variant (2).
Genome position (GRCh38, 1-based): chr1:45,331,237, C>A on the plus strand (G>T on the coding strand, the complement: MUTYH is on the minus strand). VCF-style: chr1-45331237-C-A. GRCh37 (hg19) VCF-style: chr1-45796909-C-A.
Other names: c.1337G>T, p.Arg446Leu (NM_001048171.2, NM_001048173.2, NM_001293195.2); c.1340G>T, p.Arg447Leu (NM_001048172.2); c.1421G>T, p.Arg474Leu (NM_001128425.2); c.1382G>T, p.Arg461Leu (NM_001293190.2); c.1370G>T, p.Arg457Leu (NM_001293191.2); c.1061G>T, p.Arg354Leu (NM_001293192.2, NM_001293196.2); c.992G>T, p.Arg331Leu (NM_001350650.2, NM_001350651.2); c.1412G>T, p.Arg471Leu (NM_012222.3); short protein forms R331L, R447L, R457L, R461L, R471L, R446L, R354L, R474L.
Identifiers: ClinVar variation 1399937 (VCV001399937.6), dbSNP rs764276907, ClinGen allele CA056322.
Genomic context (GRCh38, chr1:45,331,237, plus strand): 5'-AGTGCCTTTTTCATGGCGGTGGAAACAGCTGCGGTGTGAAATTCCTCCTGCGTCAGCCAG[C>A]GAGCACCTGGTGGTACGGTGGTCACTGGGGTCTGCCCTTCCAAGGCCAGCCCATATACTT-3'
Protein context (NP_001041639.1, residues 436-456): TPVTTVPPGA[Arg446Leu]WLTQEEFHTA

ClinVar aggregate classification (germline): Uncertain significance (1 of 4 stars; one submission).

Conditions:
Familial adenomatous polyposis 2. Also called: Adenomas, multiple colorectal; MYH-associated polyposis; COLORECTAL ADENOMATOUS POLYPOSIS, AUTOSOMAL RECESSIVE; ADENOMAS, MULTIPLE COLORECTAL, AUTOSOMAL RECESSIVE; FAP type 2; MUTYH Polyposis. Identifiers: Orphanet 220460, Orphanet 247798, MedGen C3272841, MONDO:0012041, OMIM 608456.

Submission:

Labcorp Genetics (formerly Invitae), Labcorp
Classification: Uncertain significance for Familial adenomatous polyposis 2. Last evaluated: 2021-12-20. Review status: criteria provided, single submitter. Criteria: Invitae Variant Classification Sherloc (09022015). Collection method: clinical testing. Allele origin: germline.
Comment: This sequence change replaces arginine, which is basic and polar, with leucine, which is neutral and non-polar, at codon 474 of the MUTYH protein (p.Arg474Leu). This variant is present in population databases (rs764276907, gnomAD 0.0009%). This variant has not been reported in the literature in individuals affected with MUTYH-related conditions. Algorithms developed to predict the effect of missense changes on protein structure and function are either unavailable or do not agree on the potential impact of this missense change (SIFT: "Tolerated"; PolyPhen-2: "Probably Damaging"; Align-GVGD: "Class C0"). In summary, the available evidence is currently insufficient to determine the role of this variant in disease. Therefore, it has been classified as a Variant of Uncertain Significance.